The following is an entry in ClinVar:

ClinVar aggregate classification (germline): Uncertain significance. Review status: criteria provided, multiple submitters, no conflicts (2 of 4 stars). 2 submissions from 2 submitters: Uncertain significance (2). Last evaluated 2024-03-01.

Conditions:
FG syndrome 1 (OKS). Also called: FG Syndrome Type 1 (FGS1); KELLER SYNDROME; MENTAL RETARDATION, LARGE HEAD, IMPERFORATE ANUS, CONGENITAL HYPOTONIA, AND PARTIAL AGENESIS OF CORPUS CALLOSUM; OPITZ-KAVEGGIA SYNDROME. Identifiers: Orphanet 93932, MedGen C5399762, MONDO:0010590, OMIM 305450.

Allele frequency attached by ClinVar (database versions not stated): gnomAD exomes 0.00001; TOPMed 0.00001.
gnomAD v4.1: 7 of 1,209,255 alleles (0.00058%); highest among the groups gnomAD compares: Non-Finnish European, 0.00078%; no homozygotes.

Submissions (2):

CeGaT Center for Human Genetics Tuebingen
Classification: Uncertain significance. Last evaluated: 2024-03-01. Review status: criteria provided, single submitter. Criteria: CeGaT Center For Human Genetics Tuebingen Variant Classification Criteria Version 2. Collection method: clinical testing. Allele origin: germline. Affected: yes. Observed: 1 variant allele.
Comment: MED12: PM2

Labcorp Genetics (formerly Invitae), Labcorp
Classification: Uncertain significance for FG syndrome 1. Last evaluated: 2019-08-19. Review status: criteria provided, single submitter. Criteria: Invitae Variant Classification Sherloc (09022015). Collection method: clinical testing. Allele origin: germline.
Comment: This sequence change replaces glycine with serine at codon 1920 of the MED12 protein (p.Gly1920Ser). The glycine residue is highly conserved and there is a small physicochemical difference between glycine and serine. This variant is not present in population databases (ExAC no frequency). This variant has not been reported in the literature in individuals with MED12-related conditions. Algorithms developed to predict the effect of missense changes on protein structure and function are either unavailable or do not agree on the potential impact of this missense change (SIFT: "Tolerated"; PolyPhen-2: "Possibly Damaging"; Align-GVGD: "Class C0"). In summary, the available evidence is currently insufficient to determine the role of this variant in disease. Therefore, it has been classified as a Variant of Uncertain Significance.

NM_005120.3(MED12):c.5758G>A (p.Gly1920Ser)

Gene: MED12 (mediator complex subunit 12; plus strand). Cytogenetic location: Xq13.1.
Variant type: single nucleotide variant.
Coding change: c.5758G>A on transcript NM_005120.3 (MANE Select); coding-DNA position 5758, G replaced by A.
Protein change: p.Gly1920Ser; replaces glycine 1920 with serine.
Molecular consequence: missense variant.
Genome position (GRCh38, 1-based): chrX:71,137,567, G>A. VCF-style: chrX-71137567-G-A. GRCh37 (hg19) VCF-style: chrX-70357417-G-A.
Other names: short protein forms G1920S.
Identifiers: ClinVar variation 939333 (VCV000939333.22), dbSNP rs1415832392, ClinGen allele CA413537790.